The following is an entry in ClinVar:

ClinVar aggregate classification (germline): Uncertain significance (1 of 4 stars; one submission).

Submission:

Dasa
Classification: Uncertain significance. Last evaluated: 2026-03-04. Review status: criteria provided, single submitter. Criteria: DASA Assertion Criteria. Collection method: clinical testing. Allele origin: germline.
Comment: NM_001122955.4(BSCL2):c.758A>G (p.Glu253Gly) is a missense variant that results in the substitution of glutamic acid with glycine. This variant is rare in population databases. The currently available literature and clinical evidence are not sufficient to establish a definitive association between this variant and the reported condition. Therefore, this variant is classified as a variant of uncertain significance.

NM_001122955.4(BSCL2):c.758A>G (p.Glu253Gly)

Genes: BSCL2 (BSCL2 lipid droplet biogenesis associated, seipin; minus strand), HNRNPUL2-BSCL2 (HNRNPUL2-BSCL2 readthrough (NMD candidate); minus strand). Cytogenetic location: 11q12.3.
Variant type: single nucleotide variant.
Coding change: c.758A>G on transcript NM_001122955.4 (MANE Select); coding-DNA position 758, A replaced by G.
Protein change: p.Glu253Gly; replaces glutamic acid 253 with glycine.
Molecular consequence: missense variant. On other transcripts: non-coding transcript variant (1).
Genome position (GRCh38, 1-based): chr11:62,692,670, T>C on the plus strand (A>G on the coding strand, the complement: BSCL2 is on the minus strand). VCF-style: chr11-62692670-T-C. GRCh37 (hg19) VCF-style: chr11-62460142-T-C.
Other names: c.566A>G, p.Glu189Gly (NM_001130702.2, NM_032667.6); c.758A>G, p.Glu253Gly (NM_001386027.1, NM_001386028.1); short protein forms E189G, E253G.
Identifiers: ClinVar variation 4882591 (VCV004882591.2).